The following is an entry in ClinVar:

NM_001372.4(DNAH9):c.9986C>A (p.Ala3329Glu)

Gene: DNAH9 (dynein axonemal heavy chain 9; plus strand). Cytogenetic location: 17p12.
Variant type: single nucleotide variant.
Coding change: c.9986C>A on transcript NM_001372.4 (MANE Select); coding-DNA position 9986, C replaced by A.
Protein change: p.Ala3329Glu; replaces alanine 3329 with glutamic acid.
Molecular consequence: missense variant.
Genome position (GRCh38, 1-based): chr17:11,869,186, C>A. VCF-style: chr17-11869186-C-A. GRCh37 (hg19) VCF-style: chr17-11772503-C-A.
Other names: short protein forms A3329E.
Identifiers: ClinVar variation 3697849 (VCV003697849.2).

ClinVar aggregate classification (germline): Uncertain significance (1 of 4 stars; one submission).

Submission:

Labcorp Genetics (formerly Invitae), Labcorp
Classification: Uncertain significance. Last evaluated: 2024-05-10. Review status: criteria provided, single submitter. Criteria: Invitae Variant Classification Sherloc (09022015). Collection method: clinical testing. Allele origin: germline.
Comment: This sequence change replaces alanine, which is neutral and non-polar, with glutamic acid, which is acidic and polar, at codon 3329 of the DNAH9 protein (p.Ala3329Glu). This variant is not present in population databases (gnomAD no frequency). This variant has not been reported in the literature in individuals affected with DNAH9-related conditions. Advanced modeling of protein sequence and biophysical properties (such as structural, functional, and spatial information, amino acid conservation, physicochemical variation, residue mobility, and thermodynamic stability) performed at Invitae indicates that this missense variant is not expected to disrupt DNAH9 protein function with a negative predictive value of 80%. In summary, the available evidence is currently insufficient to determine the role of this variant in disease. Therefore, it has been classified as a Variant of Uncertain Significance.